The following is an entry in ClinVar:

ClinVar aggregate classification (germline): Uncertain significance (1 of 4 stars; one submission).

Submission:

Labcorp Genetics (formerly Invitae), Labcorp
Classification: Uncertain significance. Last evaluated: 2025-05-26. Review status: criteria provided, single submitter. Criteria: Invitae Variant Classification Sherloc (09022015). Collection method: clinical testing. Allele origin: germline.
Comment: This sequence change creates a premature translational stop signal (p.Glu218*) in the CLUAP1 gene. It is expected to result in an absent or disrupted protein product. However, the current clinical and genetic evidence is not sufficient to establish whether loss-of-function variants in CLUAP1 cause disease. This variant is not present in population databases (gnomAD no frequency). This variant has not been reported in the literature in individuals affected with CLUAP1-related conditions. ClinVar contains an entry for this variant (Variation ID: 2070182). Algorithms developed to predict the effect of sequence changes on RNA splicing suggest that this variant may disrupt the consensus splice site. In summary, the available evidence is currently insufficient to determine the role of this variant in disease. Therefore, it has been classified as a Variant of Uncertain Significance.

NM_015041.3(CLUAP1):c.652G>T (p.Glu218Ter)

Gene: CLUAP1 (clusterin associated protein 1; plus strand). Cytogenetic location: 16p13.3.
Variant type: single nucleotide variant.
Coding change: c.652G>T on transcript NM_015041.3 (MANE Select); coding-DNA position 652, G replaced by T.
Protein change: p.Glu218Ter; replaces glutamic acid 218 with a stop codon.
Molecular consequence: nonsense.
Genome position (GRCh38, 1-based): chr16:3,519,975, G>T. VCF-style: chr16-3519975-G-T. GRCh37 (hg19) VCF-style: chr16-3569975-G-T.
Other names: c.652G>T, p.Glu218Ter (NM_001330454.2); c.154G>T, p.Glu52Ter (NM_024793.3); short protein forms E218*, E52*.
Identifiers: ClinVar variation 2070182 (VCV002070182.4), dbSNP rs756460228, ClinGen allele CA394513243.